The following is an entry in ClinVar:

NC_000023.10:g.(?_119581751)_(119583728_?)del

Gene: LAMP2 (lysosome associated membrane protein 2; minus strand). Cytogenetic location: Xq24.
Variant type: Deletion.
Identifiers: ClinVar variation 3244116 (VCV003244116.1).

ClinVar aggregate classification (germline): Likely pathogenic (1 of 4 stars; one submission).

Conditions:
Danon disease. Also called: ANTOPOL DISEASE; PSEUDOGLYCOGENOSIS II; GSD IIb; LYSOSOMAL GLYCOGEN STORAGE DISEASE WITHOUT ACID MALTASE DEFICIENCY; Glycogen Storage Disease Type IIb. Identifiers: Orphanet 34587, MedGen C0878677, MONDO:0010281, OMIM 300257.

Submission:

Labcorp Genetics (formerly Invitae), Labcorp
Classification: Likely pathogenic for Danon disease. Last evaluated: 2023-03-28. Review status: criteria provided, single submitter. Criteria: Invitae Variant Classification Sherloc (09022015). Collection method: clinical testing. Allele origin: unknown.
Comment: In summary, the currently available evidence indicates that the variant is pathogenic, but additional data are needed to prove that conclusively. Therefore, this variant has been classified as Likely Pathogenic. This variant has not been reported in the literature in individuals affected with LAMP2-related conditions. This variant results in the deletion of exon 4 and part of exon 5 (c.398-745_686delinsG) of the LAMP2 gene. It is expected to disrupt RNA splicing. Variants that disrupt the donor or acceptor splice site typically lead to a loss of protein function (PMID: 16199547), and loss-of-function variants in LAMP2 are known to be pathogenic (PMID: 21415759).

Literature cited by the submitters: PubMed 16199547; PubMed 21415759.